The following is an entry in ClinVar:

NM_001377.3(DYNC2H1):c.7643T>C (p.Phe2548Ser)

Gene: DYNC2H1 (dynein cytoplasmic 2 heavy chain 1; plus strand). Cytogenetic location: 11q22.3.
Variant type: single nucleotide variant.
Coding change: c.7643T>C on transcript NM_001377.3 (MANE Select); coding-DNA position 7643, T replaced by C.
Protein change: p.Phe2548Ser; replaces phenylalanine 2548 with serine.
Molecular consequence: missense variant.
Genome position (GRCh38, 1-based): chr11:103,192,199, T>C. VCF-style: chr11-103192199-T-C. GRCh37 (hg19) VCF-style: chr11-103062928-T-C.
Other names: c.7643T>C, p.Phe2548Ser (NM_001080463.2); short protein forms F2548S.
Identifiers: ClinVar variation 446548 (VCV000446548.5), dbSNP rs1555064376, ClinGen allele CA382254514.

ClinVar aggregate classification (germline): Uncertain significance. Review status: criteria provided, single submitter (1 of 4 stars). 3 submissions from 3 submitters: Uncertain significance (1). 2 of the submissions do not count toward it. Last evaluated 2025-10-30.

Conditions:
Asphyxiating thoracic dystrophy 3. Also called: SHORT-RIB THORACIC DYSPLASIA 3 WITH OR WITHOUT POLYDACTYLY; POLYDACTYLY WITH NEONATAL CHONDRODYSTROPHY, TYPE I; SHORT-RIB THORACIC DYSPLASIA 3/6 WITH POLYDACTYLY, DIGENIC; Saldino-Noonan Syndrome; Short rib polydactyly syndrome 2B. Identifiers: Orphanet 474, Orphanet 93269, Orphanet 93270, Orphanet 93271, MedGen C0036069, MONDO:0013127, OMIM 613091.

Allele frequency attached by ClinVar (database versions not stated): gnomAD exomes below 0.00001; TOPMed below 0.00001; gnomAD 0.00001.
gnomAD v4.1: 6 of 1,589,588 alleles (0.00038%); highest among the groups gnomAD compares: East Asian, 0.0022%; no homozygotes.

Submissions (3):

Myriad Genetics, Inc.
Classification: Uncertain significance for Asphyxiating thoracic dystrophy 3. Last evaluated: 2025-10-30. Review status: criteria provided, single submitter. Criteria: Myriad Autosomal Dominant, Autosomal Recessive and X-Linked Classification Criteria (2023). Collection method: clinical testing. Allele origin: unknown.
Comment: NM_001377.2(DYNC2H1):c.7643T>C(F2548S) is a missense variant classified as a variant of uncertain significance in the context of DYNC2H1-related disorders. F2548S has been observed in cases with relevant disease (PMID: 36797717, 29068549). Relevant functional assessments of this variant are not available in the literature. F2548S has not been observed in referenced population frequency databases. In summary, there is insufficient evidence to classify NM_001377.2(DYNC2H1):c.7643T>C(F2548S) as pathogenic or benign. Please note: this variant was assessed in the context of healthy population screening.

Dan Cohn Lab, University Of California Los Angeles
Classification: Pathogenic for Asphyxiating thoracic dystrophy 3. Last evaluated: 2017-06-01. Review status: no assertion criteria provided. Collection method: research. Allele origin: inherited. Affected: yes. Not counted in ClinVar's aggregate classification.

University of Washington Center for Mendelian Genomics, University of Washington
Classification: Likely pathogenic for Asphyxiating thoracic dystrophy 3. Review status: no assertion criteria provided. Collection method: research. Allele origin: inherited. Affected: yes. Not counted in ClinVar's aggregate classification.

Literature cited by the submitters: PubMed 29068549 (cited by 3 submitters); PubMed 36797717 (cited by Myriad Genetics, Inc.).